The following is an entry in ClinVar:

ClinVar aggregate classification (germline): Uncertain significance. Review status: criteria provided, multiple submitters, no conflicts (2 of 4 stars). 2 submissions from 2 submitters: Uncertain significance (2). Last evaluated 2025-01-01.

Conditions:
Alzheimer disease. Also called: Presenile and senile dementia; Alzheimer's disease. Identifiers: Orphanet 1020, MedGen C0002395, MeSH D000544, MONDO:0004975, HP:0002511.

Allele frequency attached by ClinVar (database versions not stated): TOPMed below 0.00001.
gnomAD v4.1: 53 of 1,614,172 alleles (0.0033%); highest among the groups gnomAD compares: East Asian, 0.12%; 1 homozygote.

Submissions (2):

Labcorp Genetics (formerly Invitae), Labcorp
Classification: Uncertain significance for Alzheimer disease. Last evaluated: 2025-01-01. Review status: criteria provided, single submitter. Criteria: Invitae Variant Classification Sherloc (09022015). Collection method: clinical testing. Allele origin: germline.
Comment: This sequence change replaces lysine, which is basic and polar, with asparagine, which is neutral and polar, at codon 510 of the APP protein (p.Lys510Asn). This variant is present in population databases (rs767201930, gnomAD 0.006%). This variant has not been reported in the literature in individuals affected with APP-related conditions. ClinVar contains an entry for this variant (Variation ID: 894932). Invitae Evidence Modeling of protein sequence and biophysical properties (such as structural, functional, and spatial information, amino acid conservation, physicochemical variation, residue mobility, and thermodynamic stability) indicates that this missense variant is not expected to disrupt APP protein function with a negative predictive value of 95%. Studies have shown that this missense change does not significantly alter or has an unclear effect on APP gene expression (PMID: 32087291). In summary, the available evidence is currently insufficient to determine the role of this variant in disease. Therefore, it has been classified as a Variant of Uncertain Significance.

Illumina Laboratory Services, Illumina
Classification: Uncertain significance for Alzheimer disease type 1. Last evaluated: 2018-01-13. Review status: criteria provided, single submitter. Criteria: ICSL Variant Classification Criteria 13 December 2019. Collection method: clinical testing. Allele origin: germline.

Literature cited by the submitters: PubMed 32087291 (cited by Labcorp Genetics (formerly Invitae), Labcorp).

NM_000484.4(APP):c.1530G>C (p.Lys510Asn)

Genes: APP (amyloid beta precursor protein; minus strand), LOC126653330 (CDK7 strongly-dependent group 2 enhancer GRCh37_chr21:27326978-27328177; plus strand). Cytogenetic location: 21q21.3.
Variant type: single nucleotide variant.
Coding change: c.1530G>C on transcript NM_000484.4 (MANE Select); coding-DNA position 1530, G replaced by C.
Protein change: p.Lys510Asn; replaces lysine 510 with asparagine.
Molecular consequence: missense variant.
Genome position (GRCh38, 1-based): chr21:25,955,684, C>G on the plus strand (G>C on the coding strand, the complement: APP is on the minus strand). VCF-style: chr21-25955684-C-G. GRCh37 (hg19) VCF-style: chr21-27327998-C-G.
Other names: c.1458G>C, p.Lys486Asn (NM_001136016.3); c.1137G>C, p.Lys379Asn (NM_001136129.3); c.1362G>C, p.Lys454Asn (NM_001136130.3, NM_001385253.1); c.1200G>C, p.Lys400Asn (NM_001136131.3); c.1530G>C, p.Lys510Asn (NM_001204301.2); c.1473G>C, p.Lys491Asn (NM_001204302.2, NM_201413.3); c.1305G>C, p.Lys435Asn (NM_001204303.2, NM_201414.3); short protein forms K379N, K435N, K454N, K400N, K486N, K510N, K491N.
Identifiers: ClinVar variation 894932 (VCV000894932.6), dbSNP rs767201930, ClinGen allele CA9987289.